The following is an entry in ClinVar:

NM_018646.6(TRPV6):c.1200G>A (p.Thr400=)

Gene: TRPV6 (transient receptor potential cation channel subfamily V member 6; minus strand). Cytogenetic location: 7q34.
Variant type: single nucleotide variant.
Coding change: c.1200G>A on transcript NM_018646.6 (MANE Select); coding-DNA position 1200, G replaced by A.
Protein change: p.Thr400=; no amino-acid change (threonine 400 retained).
Molecular consequence: synonymous variant.
Genome position (GRCh38, 1-based): chr7:142,875,510, C>T on the plus strand (G>A on the coding strand, the complement: TRPV6 is on the minus strand). VCF-style: chr7-142875510-C-T. GRCh37 (hg19) VCF-style: chr7-142573263-C-T.
Other names: p.Thr400=; c.1200G>A (NM_018646.5).
Identifiers: ClinVar variation 2786654 (VCV002786654.7), dbSNP rs4987665, ClinGen allele CA4532603.

ClinVar aggregate classification (germline): Benign. Review status: criteria provided, multiple submitters, no conflicts (2 of 4 stars). 4 submissions from 4 submitters: Benign (3). 1 of the submissions does not count toward it. Last evaluated 2026-02-04.

Conditions:
TRPV6-related disorder. Also called: TRPV6-related condition.

Allele frequency attached by ClinVar (database versions not stated): 1000 Genomes Project 0.18990; 1000 Genomes Project 30x 0.20159; TOPMed 0.21507; ESP Exome Variant Server 0.22643.
gnomAD v4.1: 150,350 of 1,604,880 alleles (9.4%); highest among the groups gnomAD compares: African/African-American, 53%; 14,965 homozygotes.

Submissions (4):

Labcorp Genetics (formerly Invitae), Labcorp
Classification: Benign. Last evaluated: 2026-02-04. Review status: criteria provided, single submitter. Criteria: Invitae Variant Classification Sherloc (09022015). Collection method: clinical testing. Allele origin: germline.

Mayo Clinic Laboratories, Mayo Clinic
Classification: Benign. Last evaluated: 2025-08-14. Review status: criteria provided, single submitter. Criteria: ACMG Guidelines, 2015. Collection method: clinical testing. Allele origin: germline. Observed: 7 variant alleles.

Blueprint Genetics
Classification: Benign. Last evaluated: 2024-11-27. Review status: criteria provided, single submitter. Criteria: ACMG Guidelines, 2015. Collection method: clinical testing. Allele origin: germline.

PreventionGenetics, part of Exact Sciences
Classification: Benign for TRPV6-related condition. Last evaluated: 2019-10-16. Review status: no assertion criteria provided. Collection method: clinical testing. Allele origin: germline. Not counted in ClinVar's aggregate classification.
Comment: This variant is classified as benign based on ACMG/AMP sequence variant interpretation guidelines (Richards et al. 2015 PMID: 25741868, with internal and published modifications).